The following is an entry in ClinVar:

ClinVar aggregate classification (germline): Likely benign. Review status: criteria provided, multiple submitters, no conflicts (2 of 4 stars). 2 submissions from 2 submitters: Likely benign (2). Last evaluated 2026-09-25.

Conditions:
PCNT-related disorder. Also called: PCNT-related condition.

Allele frequency attached by ClinVar (database versions not stated): TOPMed below 0.00001.
gnomAD v4.1: 5 of 1,604,946 alleles (0.00031%); highest among the groups gnomAD compares: Non-Finnish European, 0.00042%; no homozygotes.

Submissions (2):

PreventionGenetics, part of Exact Sciences
Classification: Likely benign for PCNT-related condition. Last evaluated: 2026-09-25. Review status: criteria provided, single submitter. Criteria: ACMG Guidelines, 2015. Collection method: clinical testing. Allele origin: germline.
Comment: This variant is classified as likely benign based on ACMG/AMP sequence variant interpretation guidelines (Richards et al. 2015 PMID: 25741868, with internal and published modifications).

Labcorp Genetics (formerly Invitae), Labcorp
Classification: Likely benign. Last evaluated: 2023-06-14. Review status: criteria provided, single submitter. Criteria: Invitae Variant Classification Sherloc (09022015). Collection method: clinical testing. Allele origin: germline.

NM_006031.6(PCNT):c.879C>T (p.Ala293=)

Gene: PCNT (pericentrin; plus strand). Cytogenetic location: 21q22.3.
Variant type: single nucleotide variant.
Coding change: c.879C>T on transcript NM_006031.6 (MANE Select); coding-DNA position 879, C replaced by T.
Protein change: p.Ala293=; no amino-acid change (alanine 293 retained).
Molecular consequence: synonymous variant.
Genome position (GRCh38, 1-based): chr21:46,346,901, C>T. VCF-style: chr21-46346901-C-T. GRCh37 (hg19) VCF-style: chr21-47766815-C-T.
Other names: c.525C>T, p.Ala175= (NM_001315529.2); c.879C>T (NM_006031.5).
Identifiers: ClinVar variation 2987680 (VCV002987680.4), dbSNP rs2084089858, ClinGen allele CA513172786.